The following is an entry in ClinVar:

NM_170665.4(ATP2A2):c.2281C>T (p.Arg761Cys)

Gene: ATP2A2 (ATPase sarcoplasmic/endoplasmic reticulum Ca2+ transporting 2; plus strand). Cytogenetic location: 12q24.11.
Variant type: single nucleotide variant.
Coding change: c.2281C>T on transcript NM_170665.4 (MANE Select); coding-DNA position 2281, C replaced by T.
Protein change: p.Arg761Cys; replaces arginine 761 with cysteine.
Molecular consequence: missense variant.
Genome position (GRCh38, 1-based): chr12:110,342,411, C>T. VCF-style: chr12-110342411-C-T. GRCh37 (hg19) VCF-style: chr12-110780216-C-T.
Other names: c.2281C>T, p.Arg761Cys (NM_001681.4); short protein forms R761C.
Identifiers: ClinVar variation 1304768 (VCV001304768.2), dbSNP rs770065068, ClinGen allele CA6784068.

ClinVar aggregate classification (germline): Uncertain significance (1 of 4 stars; one submission).

Allele frequency attached by ClinVar (database versions not stated): gnomAD exomes below 0.00001; ExAC 0.00001; gnomAD 0.00001.
gnomAD v4.1: 2 of 1,613,894 alleles (0.00012%); highest among the groups gnomAD compares: Non-Finnish European, 0.00017%; no homozygotes.

Submission:

GeneDx
Classification: Uncertain significance. Last evaluated: 2019-04-03. Review status: criteria provided, single submitter. Criteria: GeneDx Variant Classification Process June 2021. Collection method: clinical testing. Allele origin: germline. Affected: yes.
Comment: Has not been previously published as pathogenic or benign to our knowledge; Not observed in large population cohorts (Lek et al., 2016); In silico analysis, which includes protein predictors and evolutionary conservation, supports a deleterious effect; The majority of missense variants in this gene are considered pathogenic (Stenson et al., 2014)